The following is an entry in ClinVar:

ClinVar aggregate classification (germline): Uncertain significance. Review status: criteria provided, multiple submitters, no conflicts (2 of 4 stars). 5 submissions from 5 submitters: Uncertain significance (5). Last evaluated 2026-02-23.

Conditions:
ALG1-congenital disorder of glycosylation. Also called: CONGENITAL DISORDER OF GLYCOSYLATION, TYPE Ik; CDG Ik; ALG1-CDG. Identifiers: Orphanet 79327, MedGen C2931005, MONDO:0012052, OMIM 608540.

Allele frequency attached by ClinVar (database versions not stated): gnomAD exomes 0.00004 and 0.00006; TOPMed 0.00005; gnomAD 0.00007; ExAC 0.00008.

Submissions (5):

GeneDx
Classification: Uncertain significance. Last evaluated: 2026-02-23. Review status: criteria provided, single submitter. Criteria: GeneDx Variant Classification Process June 2021. Collection method: clinical testing. Allele origin: germline.
Comment: Not observed at significant frequency in large population cohorts (gnomAD); In silico analysis supports that this missense variant has a deleterious effect on protein structure/function; In silico analysis supports a deleterious effect on splicing; Has not been previously published as pathogenic or benign to our knowledge

Dasa
Classification: Uncertain significance. Last evaluated: 2025-02-18. Review status: criteria provided, single submitter. Criteria: DASA Assertion Criteria. Collection method: clinical testing. Allele origin: germline.
Comment: NM_019109.5(ALG1):c.965A>G (p.Lys322Arg) is a missense variant that results in the substitution of lysine with arginine. This variant is rare in population databases. Computational prediction algorithms are consistent with a benign effect. The currently available literature and clinical evidence are not sufficient to establish a definitive association between this variant and the reported condition. Therefore, this variant is classified as a variant of uncertain significance.

Fulgent Genetics
Classification: Uncertain significance for ALG1-congenital disorder of glycosylation. Last evaluated: 2024-03-26. Review status: criteria provided, single submitter. Criteria: ACMG Guidelines, 2015. Collection method: clinical testing. Allele origin: germline.

Labcorp Genetics (formerly Invitae), Labcorp
Classification: Uncertain significance for ALG1-congenital disorder of glycosylation. Last evaluated: 2022-10-10. Review status: criteria provided, single submitter. Criteria: Invitae Variant Classification Sherloc (09022015). Collection method: clinical testing. Allele origin: germline.
Comment: This sequence change replaces lysine, which is basic and polar, with arginine, which is basic and polar, at codon 322 of the ALG1 protein (p.Lys322Arg). This variant is present in population databases (rs145851409, gnomAD 0.01%). This variant has not been reported in the literature in individuals affected with ALG1-related conditions. ClinVar contains an entry for this variant (Variation ID: 1061103). Advanced modeling of protein sequence and biophysical properties (such as structural, functional, and spatial information, amino acid conservation, physicochemical variation, residue mobility, and thermodynamic stability) performed at Invitae indicates that this missense variant is not expected to disrupt ALG1 protein function. Algorithms developed to predict the effect of sequence changes on RNA splicing suggest that this variant may create or strengthen a splice site. In summary, the available evidence is currently insufficient to determine the role of this variant in disease. Therefore, it has been classified as a Variant of Uncertain Significance.

Revvity Omics, Revvity
Classification: Uncertain significance for ALG1-congenital disorder of glycosylation. Last evaluated: 2022-01-05. Review status: criteria provided, single submitter. Criteria: ACMG Guidelines, 2015. Collection method: clinical testing. Allele origin: germline.

NM_019109.5(ALG1):c.965A>G (p.Lys322Arg)

Gene: ALG1 (ALG1 chitobiosyldiphosphodolichol beta-mannosyltransferase; plus strand). Cytogenetic location: 16p13.3.
Variant type: single nucleotide variant.
Coding change: c.965A>G on transcript NM_019109.5 (MANE Select); coding-DNA position 965, A replaced by G.
Protein change: p.Lys322Arg; replaces lysine 322 with arginine.
Molecular consequence: missense variant.
Genome position (GRCh38, 1-based): chr16:5,080,949, A>G. VCF-style: chr16-5080949-A-G. GRCh37 (hg19) VCF-style: chr16-5130950-A-G.
Other names: c.632A>G, p.Lys211Arg (NM_001330504.2); c.965A>G (NM_019109.4); short protein forms K211R, K322R.
Identifiers: ClinVar variation 1061103 (VCV001061103.11), dbSNP rs145851409, ClinGen allele CA7890153.